The following is an entry in ClinVar:

NM_014208.3(DSPP):c.211A>T (p.Asn71Tyr)

Genes: DMP1-AS1 (DMP1 and DSPP antisense RNA 1; minus strand), DSPP (dentin sialophosphoprotein; plus strand). Cytogenetic location: 4q22.1.
Variant type: single nucleotide variant.
Coding change: c.211A>T on transcript NM_014208.3 (MANE Select); coding-DNA position 211, A replaced by T.
Protein change: p.Asn71Tyr; replaces asparagine 71 with tyrosine.
Molecular consequence: missense variant.
Genome position (GRCh38, 1-based): chr4:87,612,397, A>T. VCF-style: chr4-87612397-A-T. GRCh37 (hg19) VCF-style: chr4-88533549-A-T.
Other names: short protein forms N71Y.
Identifiers: ClinVar variation 1800976 (VCV001800976.3), dbSNP rs375736274, ClinGen allele CA3000852.

ClinVar aggregate classification (germline): Conflicting classifications of pathogenicity. Review status: criteria provided, conflicting classifications (1 of 4 stars). 3 submissions from 3 submitters: Uncertain significance (2); Likely benign (1). Last evaluated 2025-05-28.

Conditions:
Inborn genetic diseases. Identifiers: MedGen C0950123, MeSH D030342.

Allele frequency attached by ClinVar (database versions not stated): gnomAD 0.00001; TOPMed 0.00001; ExAC 0.00002; ESP Exome Variant Server 0.00008.
gnomAD v4.1: 28 of 1,614,016 alleles (0.0017%); highest among the groups gnomAD compares: Non-Finnish European, 0.00025%; no homozygotes.

Submissions (3):

Ambry Genetics
Classification: Likely benign for Inborn genetic diseases. Last evaluated: 2025-05-28. Review status: criteria provided, single submitter. Criteria: Ambry Variant Classification Scheme 2023. Collection method: clinical testing. Allele origin: germline.

Women's Health and Genetics/Laboratory Corporation of America, LabCorp
Classification: Uncertain significance. Last evaluated: 2023-11-07. Review status: criteria provided, single submitter. Criteria: LabCorp Variant Classification Summary - May 2015. Collection method: clinical testing. Allele origin: germline.
Comment: Variant summary: DSPP c.211A>T (p.Asn71Tyr) results in a non-conservative amino acid change in the encoded protein sequence. Three of four in-silico tools predict a benign effect of the variant on protein function. The variant allele was found at a frequency of 5.2e-05 in 249094 control chromosomes. To our knowledge, no occurrence of c.211A>T in individuals affected with Dentinogenesis Imperfecta Type 2 and no experimental evidence demonstrating its impact on protein function have been reported. One submitter has cited clinical-significance assessments for this variant to ClinVar after 2014 and has classified the variant as uncertain significance. Based on the evidence outlined above, the variant was classified as uncertain significance.

GeneDx
Classification: Uncertain significance. Last evaluated: 2022-05-26. Review status: criteria provided, single submitter. Criteria: GeneDx Variant Classification Process June 2021. Collection method: clinical testing. Allele origin: germline. Affected: yes.
Comment: In silico analysis supports that this missense variant does not alter protein structure/function; Has not been previously published as pathogenic or benign to our knowledge